The following is an entry in ClinVar:

ClinVar aggregate classification (germline): Uncertain significance (1 of 4 stars; one submission).

Conditions:
Atrioventricular septal defect 4 (AVSD4). Identifiers: MedGen C3280781, MONDO:0013747, OMIM 614430.

Submission:

Labcorp Genetics (formerly Invitae), Labcorp
Classification: Uncertain significance for Atrioventricular septal defect 4. Last evaluated: 2025-09-09. Review status: criteria provided, single submitter. Criteria: Invitae Variant Classification Sherloc (09022015). Collection method: clinical testing. Allele origin: germline.
Comment: This sequence change replaces serine, which is neutral and polar, with arginine, which is basic and polar, at codon 356 of the GATA4 protein (p.Ser356Arg). This variant is not present in population databases (gnomAD no frequency). This variant has not been reported in the literature in individuals affected with GATA4-related conditions. Invitae Evidence Modeling of protein sequence and biophysical properties (such as structural, functional, and spatial information, amino acid conservation, physicochemical variation, residue mobility, and thermodynamic stability) indicates that this missense variant is not expected to disrupt GATA4 protein function with a negative predictive value of 95%. In summary, the available evidence is currently insufficient to determine the role of this variant in disease. Therefore, it has been classified as a Variant of Uncertain Significance.

NM_001308093.3(GATA4):c.1069A>C (p.Ser357Arg)

Gene: GATA4 (GATA binding protein 4). Cytogenetic location: 8p23.1.
Variant type: single nucleotide variant.
Coding change: c.1069A>C on transcript NM_001308093.3 (MANE Select); coding-DNA position 1069, A replaced by C.
Protein change: p.Ser357Arg; replaces serine 357 with arginine.
Molecular consequence: missense variant.
Genome position (GRCh38, 1-based): chr8:11,757,003, A>C. VCF-style: chr8-11757003-A-C. GRCh37 (hg19) VCF-style: chr8-11614512-A-C.
Other names: c.448A>C, p.Ser150Arg (NM_001308094.2, NM_001374273.1); c.322A>C, p.Ser108Arg (NM_001374274.1); c.1066A>C, p.Ser356Arg (NM_002052.5); short protein forms S356R, S357R, S108R, S150R.
Identifiers: ClinVar variation 4748999 (VCV004748999.1).
Genomic context (GRCh38, chr8:11,757,003, plus strand): 5'-GGCAGTGAGAGCCTTCCTCCCGCCAGCGGTGCTTCCAGCAACTCCAGCAACGCCACCACC[A>C]GCAGCAGCGAGGAGATGCGTCCCATCAAGACGGAGCCTGGCCTGTCATCTCACTACGGGC-3'
Protein context (NP_001295022.1, residues 347-367): ASSNSSNATT[Ser357Arg]SSEEMRPIKT